The following is an entry in ClinVar:

NM_078480.3(PUF60):c.807C>T (p.Tyr269=)

Gene: PUF60 (poly(U) binding splicing factor 60; minus strand). Cytogenetic location: 8q24.3.
Variant type: single nucleotide variant.
Coding change: c.807C>T on transcript NM_078480.3 (MANE Select); coding-DNA position 807, C replaced by T.
Protein change: p.Tyr269=; no amino-acid change (tyrosine 269 retained).
Molecular consequence: synonymous variant.
Genome position (GRCh38, 1-based): chr8:143,817,872, G>A on the plus strand (C>T on the coding strand, the complement: PUF60 is on the minus strand). VCF-style: chr8-143817872-G-A. GRCh37 (hg19) VCF-style: chr8-144900042-G-A.
Other names: c.678C>T, p.Tyr226= (NM_001136033.3); c.753C>T, p.Tyr251= (NM_001271096.2); c.669C>T, p.Tyr223= (NM_001271097.2); c.804C>T, p.Tyr268= (NM_001271098.2); c.720C>T, p.Tyr240= (NM_001271099.2); c.627C>T, p.Tyr209= (NM_001271100.2); c.918C>T, p.Tyr306= (NM_001362895.2, NM_001362896.2); c.867C>T, p.Tyr289= (NM_001362897.2); and 1 more.
Identifiers: ClinVar variation 5039541 (VCV005039541.1).

ClinVar aggregate classification (germline): Likely benign (1 of 4 stars; one submission).

gnomAD v4.1: 36 of 1,611,918 alleles (0.0022%); highest among the groups gnomAD compares: Admixed American, 0.038%; no homozygotes.

Submission:

CeGaT Center for Human Genetics Tuebingen
Classification: Likely benign. Last evaluated: 2026-08-01. Review status: criteria provided, single submitter. Criteria: CeGaT Center For Human Genetics Tuebingen Variant Classification Criteria Version 2. Collection method: clinical testing. Allele origin: germline. Affected: yes. Observed: 1 variant allele.
Comment: PUF60: BP4, BP7